The following is an entry in ClinVar:

ClinVar aggregate classification (germline): Uncertain significance (1 of 4 stars; one submission).

gnomAD v4.1: 1 of 1,610,484 alleles (0.000062%); highest among the groups gnomAD compares: Non-Finnish European, 0.000085%; no homozygotes.

Submission:

GeneDx
Classification: Uncertain significance. Last evaluated: 2023-07-03. Review status: criteria provided, single submitter. Criteria: GeneDx Variant Classification Process June 2021. Collection method: clinical testing. Allele origin: germline. Affected: yes.
Comment: Not observed at significant frequency in large population cohorts (gnomAD); In silico analysis supports that this missense variant does not alter protein structure/function; Has not been previously published as pathogenic or benign to our knowledge

NM_004655.4(AXIN2):c.1466C>G (p.Pro489Arg)

Gene: AXIN2 (axin 2; minus strand). Cytogenetic location: 17q24.1.
Variant type: single nucleotide variant.
Coding change: c.1466C>G on transcript NM_004655.4 (MANE Select); coding-DNA position 1466, C replaced by G.
Protein change: p.Pro489Arg; replaces proline 489 with arginine.
Molecular consequence: missense variant.
Genome position (GRCh38, 1-based): chr17:65,537,570, G>C on the plus strand (C>G on the coding strand, the complement: AXIN2 is on the minus strand). VCF-style: chr17-65537570-G-C. GRCh37 (hg19) VCF-style: chr17-63533688-G-C.
Other names: c.1466C>G, p.Pro489Arg (NM_001363813.1); short protein forms P489R.
Identifiers: ClinVar variation 3360612 (VCV003360612.1).
Genomic context (GRCh38, chr17:65,537,570, plus strand): 5'-TGCTTGGTCACAAAGCCTTTGCCCCCGAGGAGGGGGCAGGCGCCCGGCGAGGCGGCCGCG[G>C]GAGGCAGCTTGCCACCGGGCGGGAGCAGGGAGTGGTACTGCGAATGGTGGTGGTGGTGGT-3'
Protein context (NP_004646.3, residues 479-499): SLLPPGGKLP[Pro489Arg]AAASPGACPL